The following is an entry in ClinVar:

NM_033004.4(NLRP1):c.448+292C>T

Gene: NLRP1 (NLR family pyrin domain containing 1; minus strand). Cytogenetic location: 17p13.2.
Variant type: single nucleotide variant.
Coding change: c.448+292C>T on transcript NM_033004.4 (MANE Select); 292 bases into the intron after coding-DNA position 448, C replaced by T.
Molecular consequence: intron variant.
Genome position (GRCh38, 1-based): chr17:5,582,378, G>A on the plus strand (C>T on the coding strand, the complement: NLRP1 is on the minus strand). VCF-style: chr17-5582378-G-A. GRCh37 (hg19) VCF-style: chr17-5485698-G-A.
Other names: c.448+292C>T (NM_001033053.3, NM_033007.4, NM_033006.4 and 1 more transcripts).
Identifiers: ClinVar variation 103033 (VCV000103033.2), dbSNP rs199476209, ClinGen allele CA018549.

ClinVar aggregate classification (germline): not provided (0 of 4 stars; one submission).

Allele frequency attached by ClinVar (database versions not stated): 1000 Genomes Project 30x 0.00016; 1000 Genomes Project 0.00020; gnomAD 0.00038; TOPMed 0.00043.
gnomAD v4.1: 46 of 152,092 alleles (0.03%); highest among the groups gnomAD compares: African/African-American, 0.096%; no homozygotes.

Submission:

Human Evolutionary Genetics, Institut Pasteur
No classification provided. Review status: no classification provided. Collection method: not provided. Allele origin: germline.
ClinVar note: Converted during submission from untested to not provided.